The following is an entry in ClinVar:

NM_007294.4(BRCA1):c.3521CTG[1] (p.Ala1175del)

Genes: BRCA1 (BRCA1 DNA repair associated; minus strand), LOC126862571 (BRD4-independent group 4 enhancer GRCh37_chr17:41243136-41244335; plus strand). Cytogenetic location: 17q21.31.
Variant type: Microsatellite.
Coding change: c.3521CTG[1] on transcript NM_007294.4 (MANE Select); one copy of the 3-base unit CTG starting at c.3521; the reference has two copies in a row; one copy, 3 bases deleted; also written c.3524_3526del.
Protein change: p.Ala1175del; deletes alanine 1175.
Molecular consequence: inframe deletion. On other transcripts: inframe indel (2), intron variant (135).
Genome position (GRCh38, 1-based): chr17:43,092,005-43,092,007, CAG deleted on the plus strand (CTG on the coding strand, the reverse complement: BRCA1 is on the minus strand); deleting any 3 consecutive bases within chr17:43,092,005-43,092,010 gives the same sequence; the position shown is the placement nearest the transcript's 3' end. VCF-style (leftmost placement, unchanged base first): chr17-43092004-ACAG-A. GRCh37 (hg19) VCF-style: chr17-41244021-ACAG-A.
Other names: c.3524_3526del (NM_007294.3, NM_007294.4); c.3524_3526delCTG (NM_007294.3); c.3308CTG[1], p.Ala1104del (NM_001407571.1, NM_001407853.1, NM_001407894.1 and 9 more transcripts); c.3521CTG[1], p.Ala1175del (NM_001407581.1, NM_001407582.1, NM_001407583.1 and 30 more transcripts); c.3518CTG[1], p.Ala1174del (NM_001407587.1, NM_001407590.1, NM_001407591.1 and 22 more transcripts); c.3512CTG[1], p.Ala1172del (NM_001407646.1, NM_001407647.1); c.3398CTG[1], p.Ala1134del (NM_001407648.1, NM_001407664.1, NM_001407665.1 and 19 more transcripts); c.3395CTG[1], p.Ala1133del (NM_001407649.1, NM_001407670.1, NM_001407671.1 and 11 more transcripts); and 43 more; short protein forms A1175del, A1128del, A1007del, A1048del, A1087del, A1107del, A1108del, A1127del.
Identifiers: ClinVar variation 441378 (VCV000441378.25), dbSNP rs1555587557, ClinGen allele CA658653694.
Genomic context (GRCh38, chr17:43,092,004, plus strand): 5'-GTATGGGTGAAAGGGCTAGGACTCCTGCTAAGCTCTCCTTTCTGGACGCTTTTGCTAAAA[ACAG>A]CAGAACTTTCCTTAATGTCATTTTCAGCAAAACTAGTATCTTCCTTTATTTCACCATCAT-3'

ClinVar aggregate classification (germline): Uncertain significance. Review status: criteria provided, multiple submitters, no conflicts (2 of 4 stars). 6 submissions from 6 submitters: Uncertain significance (6). Last evaluated 2025-11-12.

Conditions:
Hereditary breast ovarian cancer syndrome. Also called: Hereditary breast and ovarian cancer; Hereditary breast and ovarian cancer syndrome (HBOC); Hereditary breast and/or ovarian cancer syndrome; Breast and ovarian cancer; BRCA1- and BRCA2-Associated Hereditary Breast and Ovarian Cancer; Hereditary breast and ovarian cancer syndrome. Identifiers: Orphanet 145, MedGen C0677776, MeSH D061325, MONDO:0003582. Disease mechanism: loss of function.
Hereditary cancer-predisposing syndrome. Also called: Hereditary Cancer Syndrome; Hereditary neoplastic syndrome; Neoplastic Syndromes, Hereditary; Tumor predisposition. Identifiers: Orphanet 140162, MedGen C0027672, MeSH D009386, MONDO:0015356.

Submissions (6):

Labcorp Genetics (formerly Invitae), Labcorp
Classification: Uncertain significance for Hereditary breast ovarian cancer syndrome. Last evaluated: 2025-11-12. Review status: criteria provided, single submitter. Criteria: Invitae Variant Classification Sherloc (09022015). Collection method: clinical testing. Allele origin: germline.
Comment: This variant, c.3524_3526del, results in the deletion of 1 amino acid(s) of the BRCA1 protein (p.Ala1175del), but otherwise preserves the integrity of the reading frame. This variant is not present in population databases (gnomAD no frequency). This variant has been observed in individual(s) with breast cancer (PMID: 22034289). ClinVar contains an entry for this variant (Variation ID: 441378). Experimental studies and prediction algorithms are not available or were not evaluated, and the functional significance of this variant is currently unknown. In summary, the available evidence is currently insufficient to determine the role of this variant in disease. Therefore, it has been classified as a Variant of Uncertain Significance.

Ambry Genetics
Classification: Uncertain significance for Hereditary cancer-predisposing syndrome. Last evaluated: 2024-08-01. Review status: criteria provided, single submitter. Criteria: Ambry Variant Classification Scheme 2023. Collection method: clinical testing. Allele origin: germline.
Comment: The c.3524_3526delCTG variant (also known as p.A1175del) is located in coding exon 9 of the BRCA1 gene. This variant results from an in-frame CTG deletion of nucleotide positions 3524 and 3526. This results in the in-frame deletion of an alanine at codon 1175. This alteration has been previously identified in a Nigerian breast cancer cohort (Fackenthal JD, et al. Int. J. Cancer 2012 Sep; 131(5):1114-23). This amino acid position is highly conserved in available vertebrate species. In addition, this alteration is predicted to be deleterious by in silico analysis (Choi Y et al. PLoS ONE. 2012; 7(10):e46688). Based on the available evidence, the clinical significance of this variant remains unclear.

Blueprint Genetics
Classification: Uncertain significance. Last evaluated: 2024-07-31. Review status: criteria provided, single submitter. Criteria: ACMG Guidelines, 2015. Collection method: clinical testing. Allele origin: germline.

GeneDx
Classification: Uncertain significance. Last evaluated: 2023-07-03. Review status: criteria provided, single submitter. Criteria: GeneDx Variant Classification Process June 2021. Collection method: clinical testing. Allele origin: germline. Affected: yes.
Comment: In-frame deletion of 1 amino acid in a non-repeat region; Observed in a patient with breast cancer (Fackenthal et al., 2012); In silico analysis supports a deleterious effect on protein structure/function; Not observed at significant frequency in large population cohorts (gnomAD); Also known as 3643_3645del; This variant is associated with the following publications: (PMID: 22034289)

Color Diagnostics, LLC DBA Color Health
Classification: Uncertain significance for Hereditary cancer-predisposing syndrome. Last evaluated: 2022-11-22. Review status: criteria provided, single submitter. Criteria: ACMG Guidelines, 2015. Collection method: clinical testing. Allele origin: germline.
Comment: This variant causes an in-frame deletion of one amino acid at exon 10 of the BRCA1 protein. To our knowledge, functional studies have not been reported for this variant. This variant has not been reported in individuals affected with BRCA1-related disorders in the literature. This variant has not been identified in the general population by the Genome Aggregation Database (gnomAD). The available evidence is insufficient to determine the role of this variant in disease conclusively. Therefore, this variant is classified as a Variant of Uncertain Significance.

Quest Diagnostics Nichols Institute San Juan Capistrano
Classification: Uncertain significance. Last evaluated: 2019-04-04. Review status: criteria provided, single submitter. Criteria: Quest Diagnostics criteria. Collection method: clinical testing. Allele origin: germline.

Literature cited by the submitters: PubMed 22034289 (cited by 3 submitters).